The following is an entry in ClinVar:

ClinVar aggregate classification (germline): Likely benign. Review status: criteria provided, multiple submitters, no conflicts (2 of 4 stars). 3 submissions from 3 submitters: Likely benign (3). Last evaluated 2025-10-18.

Conditions:
Hereditary breast ovarian cancer syndrome. Also called: Breast and ovarian cancer; Hereditary breast and/or ovarian cancer syndrome; BRCA1- and BRCA2-Associated Hereditary Breast and Ovarian Cancer; Hereditary breast and ovarian cancer syndrome; Hereditary breast and ovarian cancer syndrome (HBOC); Hereditary breast and ovarian cancer. Identifiers: Orphanet 145, MedGen C0677776, MeSH D061325, MONDO:0003582. Disease mechanism: loss of function.
Hereditary cancer-predisposing syndrome. Also called: Tumor predisposition; Hereditary Cancer Syndrome; Hereditary neoplastic syndrome; Neoplastic Syndromes, Hereditary. Identifiers: Orphanet 140162, MedGen C0027672, MeSH D009386, MONDO:0015356.

Submissions (4):

Labcorp Genetics (formerly Invitae), Labcorp
Classification: Likely benign for Hereditary breast ovarian cancer syndrome. Last evaluated: 2025-10-18. Review status: criteria provided, single submitter. Criteria: Invitae Variant Classification Sherloc (09022015). Collection method: clinical testing. Allele origin: germline.

Ambry Genetics
Classification: Likely benign for Hereditary cancer-predisposing syndrome. Last evaluated: 2023-11-16. Review status: criteria provided, single submitter. Criteria: Ambry Variant Classification Scheme 2023. Collection method: clinical testing. Allele origin: germline.

GeneDx
Classification: Likely benign. Last evaluated: 2017-07-21. Review status: criteria provided, single submitter. Criteria: GeneDx Variant Classification (06012015). Collection method: clinical testing. Allele origin: germline. Affected: yes.
Comment: This variant is considered likely benign or benign based on one or more of the following criteria: it is a conservative change, it occurs at a poorly conserved position in the protein, it is predicted to be benign by multiple in silico algorithms, and/or has population frequency not consistent with disease.

Brotman Baty Institute, University of Washington
No classification provided (evidence only). Condition: Breast-ovarian cancer, familial 1. Review status: no classification provided. Collection method: in vitro. Allele origin: not applicable. Functional consequence: functionally_normal. Not counted in ClinVar's aggregate classification.
ClinVar note: "not provided" was previously submitted as the classification for the variant. However, the classification appeared to be based only on an observation of functional data so it was converted to no classification on 2025-07-30.

NM_007294.4(BRCA1):c.300G>A (p.Glu100=)

Gene: BRCA1 (BRCA1 DNA repair associated; minus strand). Cytogenetic location: 17q21.31.
Variant type: single nucleotide variant.
Coding change: c.300G>A on transcript NM_007294.4 (MANE Select); coding-DNA position 300, G replaced by A.
Protein change: p.Glu100=; no amino-acid change (glutamic acid 100 retained).
Molecular consequence: synonymous variant. On other transcripts: 5 prime UTR variant (7), intron variant (5).
Genome position (GRCh38, 1-based): chr17:43,104,869, C>T on the plus strand (G>A on the coding strand, the complement: BRCA1 is on the minus strand). VCF-style: chr17-43104869-C-T. GRCh37 (hg19) VCF-style: chr17-41256886-C-T.
Other names: c.300G>A, p.Glu100= (NM_001407858.1, NM_001407859.1, NM_001407860.1 and 165 more transcripts); c.222G>A, p.Glu74= (NM_001407862.1, NM_001407874.1, NM_001407875.1 and 21 more transcripts); c.90G>A, p.Glu30= (NM_001407879.1, NM_001407881.1, NM_001407882.1 and 58 more transcripts); c.159G>A, p.Glu53= (NM_001407920.1, NM_001407921.1, NM_001407922.1 and 99 more transcripts); c.-82G>A (NM_001407959.1, NM_001407960.1, NM_001407962.1 and 4 more transcripts); c.168G>A, p.Glu56= (NM_001408451.1); c.-218-10009G>A (NM_001407967.1, NM_001407966.1); c.292+8G>A (NM_001408408.1, NM_001407647.1, NM_001407646.1).
Identifiers: ClinVar variation 511007 (VCV000511007.14), dbSNP rs1555596638, ClinGen allele CA500127431.
Genomic context (GRCh38, chr17:43,104,869, plus strand): 5'-ACTTCCTGAGTTTTCATGGACAGCACTTGAGTGTCATTCTTGGGATATTCAACACTTACA[C>T]TCCAAACCTGTGTCAAGCTGAAAAGCACAAATGATTTTCAATAGCTCTTCAACAAGTTGA-3'
Protein context (NP_009225.1, residues 90-110): ICAFQLDTGL[Glu100=]YANSYNFAKK